The following continues an entry in ClinVar:

NM_000152.5(GAA):c.1935C>A (p.Asp645Glu)

Gene: GAA. ClinVar aggregate classification (germline): Pathogenic. Pathogenic (1).

Submissions 7 to 17 of 20:

PreventionGenetics, part of Exact Sciences
Classification: Pathogenic for GAA-related condition. Last evaluated: 2025-03-24. Review status: criteria provided, single submitter. Criteria: ACMG Guidelines, 2015. Collection method: clinical testing. Allele origin: germline. Not counted in ClinVar's aggregate classification.
Comment: The GAA c.1935C>A variant is predicted to result in the amino acid substitution p.Asp645Glu. This variant has been reported in the homozygous and compound heterozygous states in multiple individuals with glycogen storage disease (see for example, Table 2, Chien et al. 2011. PubMed ID: 21232767; Table 1, Chen et al. 2017. PubMed ID: 28394184; Table 1, Chan et al. 2023. PubMed ID: 37542277). This variant is reported in 0.17% of alleles in individuals of East Asian descent in gnomAD. In vitro experimental studies suggest this variant reduces protein activity (Table 2, Hermans et al. 1993. PubMed ID: 8094613; Table 1, Chan et al. 2023. PubMed ID: 37542277). Alternate nucleotide substitutions affecting the same amino acid (p.Asp645Asn and p.Asp645His) have been reported in the homozygous and compound heterozygous states in multiple individuals with glycogen storage disease (see for example, Table S3, Kishnani et al. 2019. PubMed ID: 31086307; Table 1, Thomas et al. 2020. PubMed ID: 33301762; Table 3, Li et al. 2023. PubMed ID: 38162137). In summary, the c.1935C>A (p.Asp645Glu) variant is interpreted as pathogenic.

Natera, Inc.
Classification: Pathogenic for Glycogen storage disease type II. Last evaluated: 2024-09-05. Review status: criteria provided, single submitter. Criteria: Natera Variant Classification Schema (03/2026). Collection method: clinical testing. Allele origin: germline. Not counted in ClinVar's aggregate classification.
Comment: The c.1935C>A variant in GAA is a missense variant predicted to cause substitution of aspartic acid to glutamic acid at amino acid 645. This variant is rare in the general population with a frequency below the threshold expected for the associated phenotype(s). This variant has been observed in one or more individuals affected with the associated recessive disease, as either homozygous or compound heterozygous with a second variant (PMID: 38715621, 38186848). A different variant at the same position has been determined to be Pathogenic or Likely Pathogenic. Computational prediction algorithms indicate this variant is likely to affect gene or protein function. Given the available evidence, this variant is classified as Pathogenic.

Mayo Clinic Laboratories, Mayo Clinic
Classification: Pathogenic. Last evaluated: 2023-10-17. Review status: criteria provided, single submitter. Criteria: ACMG Guidelines, 2015. Collection method: clinical testing. Allele origin: germline. Observed: 1 variant allele. Not counted in ClinVar's aggregate classification.
Comment: PP3, PP4_moderate, PM3_very_strong, PM5, PS3_moderate

Ambry Genetics
Classification: Pathogenic for Cardiovascular phenotype. Last evaluated: 2023-10-03. Review status: criteria provided, single submitter. Criteria: Ambry Variant Classification Scheme 2023. Collection method: clinical testing. Allele origin: germline. Not counted in ClinVar's aggregate classification.
Comment: The c.1935C>A (p.D645E) alteration is located in exon 14 (coding exon 13) of the GAA gene. This alteration results from a C to A substitution at nucleotide position 1935, causing the aspartic acid (D) at amino acid position 645 to be replaced by a glutamic acid (E). Based on data from gnomAD, the A allele has an overall frequency of 0.012% (34/274238) total alleles studied. The highest observed frequency was 0.173% (34/19660) of East Asian alleles. This variant has been detected as homozygous in multiple individuals and in conjunction with a second GAA variant in multiple individuals diagnosed with glycogen storage disease II; however, the phase of the two variants was not specified (Ko, 1999; Chan, 2023). Three other alterations at the same codon, c.1933G>A (p.D645N), c.1933G>C (p.D645H), and c.1933G>T(p.D645Y), have been reported (Lin, 1995; Huie, 1998; Gort, 2007). This amino acid position is highly conserved in available vertebrate species. This alteration is predicted to be deleterious by in silico analysis. Based on the available evidence, this alteration is classified as pathogenic.

Department of Pathology and Laboratory Medicine, Sinai Health System
Classification: Pathogenic for Glycogen storage disease, type II. Last evaluated: 2023-01-04. Review status: criteria provided, single submitter. Criteria: ACMG Guidelines, 2015. Collection method: research. Allele origin: germline. Not counted in ClinVar's aggregate classification.

Blueprint Genetics
Classification: Pathogenic for GAA-related disorders. Last evaluated: 2022-03-23. Review status: criteria provided, single submitter. Criteria: ACMG Guidelines, 2015. Collection method: clinical testing. Allele origin: germline. Affected: yes. Observed: 2 variant alleles. Not counted in ClinVar's aggregate classification.

GeneDx
Classification: Pathogenic. Last evaluated: 2022-02-10. Review status: criteria provided, single submitter. Criteria: GeneDx Variant Classification Process June 2021. Collection method: clinical testing. Allele origin: germline. Affected: yes. Not counted in ClinVar's aggregate classification.
Comment: Published functional studies found this variant is associated with significantly reduced enzyme activity (PMID: 8094613); In silico analysis supports that this missense variant has a deleterious effect on protein structure/function; This variant is associated with the following publications: (PMID: 33301762, 30275481, 31086307, 32711049, 32014045, 32005694, 22975760, 21232767, 21439876, 21228398, 8935410, 9554747, 28394184, 1684505, 16702877, 31953985, 32411386, 35314707, 8094613, 20080426, 9535769, 27344650)

Broad Center for Mendelian Genomics, Broad Institute of MIT and Harvard
Classification: Pathogenic for Glycogen storage disease, type II. Last evaluated: 2020-01-22. Review status: criteria provided, single submitter. Criteria: ACMG Guidelines, 2015. Collection method: curation. Allele origin: germline. Inheritance: Autosomal recessive inheritance. Not counted in ClinVar's aggregate classification.
Comment: The p.Asp645Glu variant in GAA has been reported in at least 48 individuals (including 42 individuals from China or Taiwan and 5 individuals from Thailand) with Glycogen Storage Disease II (PMID: 8094613, 21039225, 21232767, 10338092, 9554747), and has also been reported pathogenic by Counsyl, Invitae, Baylor Genetics, OMIM, and GeneReviews in ClinVar (Variation ID: 4029). This variant has been identified in 0.173% (34/19660) of East Asian chromosomes by the Genome Aggregation Database (gnomAD; dbSNP rs28940868). Although this variant has been seen in the general population, its frequency is not high enough to rule out a pathogenic role. In vitro functional studies with COS cells transfected with this variant provide some evidence that the p.Asp645Glu variant may impact protein function (PMID: 8094613, 8935410). However, these types of assays may not accurately represent biological function. Computational prediction tools and conservation analyses suggest that this variant may impact the protein, though this information is not predictive enough to determine pathogenicity. The presence of this variant in the homozygous state and with reported pathogenic variants, and in individuals with Glycogen Storage Disease II increases the likelihood that the p.Asp645Glu variant is pathogenic (PMID: 9554747, 8094613). The phenotype of individuals heterozygous for this variant is highly specific for Glycogen Storage Disease II based on reduced GAA activity in fibroblasts, consistent with disease (PMID: 9554747, 8094613). Three additional variants at the same position, (p.Asp645Asn, p.Asp645His, and p.Asp645Tyr), have been reported pathogenic or likely pathogenic in association with Glycogen Storage Disease II in ClinVar, supporting that a change at this position may not be tolerated (Variation ID: 188728, 556386, 189013). In summary, this variant meets criteria to be classified as pathogenic for Glycogen Storage Disease II in an autosomal recessive manner based on multiple occurrences with pathogenic GAA variants in individuals with Glycogen Storage Disease II, multiple pathogenic or likely pathogenic variants reported at the same position, and in vitro functional studies with COS cells transfected with this variant. ACMG/AMP Criteria applied: PM3_Strong, PM5_Strong, PS3, PP3, PP4 (Richards 2015).

Myriad Genetics, Inc.
Classification: Pathogenic for Glycogen storage disease, type II. Last evaluated: 2019-12-20. Review status: criteria provided, single submitter. Criteria: Myriad Women's Health Autosomal Recessive and X-Linked Classification Criteria (2019). Collection method: clinical testing. Allele origin: unknown. Not counted in ClinVar's aggregate classification.
Comment: NM_000152.3(GAA):c.1935C>A(D645E) is classified as pathogenic in the context of Pompe disease and is associated with the infantile-onset form of this disease. Sources cited for classification include the following: PMID 8094613, 21232767, 16702877, 21039225 and 10338092. Classification of NM_000152.3(GAA):c.1935C>A(D645E) is based on the following criteria: This is a well-established pathogenic variant in the literature that has been observed more frequently in patients with clinical diagnoses than in healthy populations. Please note: this variant was assessed in the context of healthy population screening.â€šÃ„Ã¶âˆšÃ‘âˆšÂ£

Center for Molecular Medicine, Children’s Hospital of Fudan University
Classification: Pathogenic for Glycogen storage disease, type II. Last evaluated: 2019-05-10. Review status: criteria provided, single submitter. Criteria: ACMG Guidelines, 2015. Collection method: clinical testing. Allele origin: inherited. Affected: yes. Not counted in ClinVar's aggregate classification.

Women's Health and Genetics/Laboratory Corporation of America, LabCorp
Classification: Pathogenic for Glycogen storage disease, type II. Last evaluated: 2018-02-08. Review status: criteria provided, single submitter. Criteria: LabCorp Variant Classification Summary - May 2015. Collection method: clinical testing. Allele origin: germline. Not counted in ClinVar's aggregate classification.
Comment: Variant summary: GAA c.1935C>A (p.Asp645Glu) results in a conservative amino acid change in the encoded protein sequence. Four of five in-silico tools predict a damaging effect of the variant on protein function. The variant allele was found at a frequency of 0.00012 in 269490 control chromosomes. c.1935C>A has been reported in the literature in multiple individuals affected with Glycogen Storage Disease, Type 2 (Pompe Disease). These data indicate that the variant is very likely to be associated with disease. This variant has been reported to be one of the most common mutations among Chinese patients with Pompe disease, suggesing a founder effect. At least one publication reports experimental evidence evaluating an impact on protein function resulting in 10%-<30% of normal activity. One clinical diagnostic laboratory has submitted clinical-significance assessments for this variant to ClinVar after 2014 without evidence for independent evaluation. One laboratory classified the variant as pathogenic. Based on the evidence outlined above, the variant was classified as pathogenic.